The following is an entry in ClinVar:

NM_004370.6(COL12A1):c.5083T>A (p.Ser1695Thr)

Gene: COL12A1 (collagen type XII alpha 1 chain; minus strand). Cytogenetic location: 6q13.
Variant type: single nucleotide variant.
Coding change: c.5083T>A on transcript NM_004370.6 (MANE Select); coding-DNA position 5083, T replaced by A.
Protein change: p.Ser1695Thr; replaces serine 1695 with threonine.
Molecular consequence: missense variant.
Genome position (GRCh38, 1-based): chr6:75,138,836, A>T on the plus strand (T>A on the coding strand, the complement: COL12A1 is on the minus strand). VCF-style: chr6-75138836-A-T. GRCh37 (hg19) VCF-style: chr6-75848552-A-T.
Other names: c.1591T>A, p.Ser531Thr (NM_080645.3); short protein forms S531T, S1695T.
Identifiers: ClinVar variation 1914114 (VCV001914114.5), dbSNP rs1766754525, ClinGen allele CA364739500.
Genomic context (GRCh38, chr6:75,138,836, plus strand): 5'-AAATGGGACATGAAAGACAGAGAGAAAGATAAAGAGAGTTAACTACCTCCATCTTATCTG[A>T]GCTTCCAAAAGGTGCCCAAGTTATTCTGTAGAGAGACACATCTGAAGCTCCATGATCCCA-3'
Protein context (NP_004361.3, residues 1685-1705): YRITWAPFGS[Ser1695Thr]DKMETILNGD

ClinVar aggregate classification (germline): Uncertain significance (1 of 4 stars; one submission).

Conditions:
Ullrich congenital muscular dystrophy 2 (UCMD2). Identifiers: Orphanet 75840, MedGen C4225314, MONDO:0014654, OMIM 616470.
Bethlem myopathy 2 (BTHLM2). Identifiers: Orphanet 536516, Orphanet 610, MedGen C4225313, MONDO:0034022, OMIM 616471.

Allele frequency attached by ClinVar (database versions not stated): TOPMed 0.00001.

Submission:

Labcorp Genetics (formerly Invitae), Labcorp
Classification: Uncertain significance for Bethlem myopathy 2; Ullrich congenital muscular dystrophy 2. Last evaluated: 2022-08-23. Review status: criteria provided, single submitter. Criteria: Invitae Variant Classification Sherloc (09022015). Collection method: clinical testing. Allele origin: germline.
Comment: In summary, the available evidence is currently insufficient to determine the role of this variant in disease. Therefore, it has been classified as a Variant of Uncertain Significance. Algorithms developed to predict the effect of missense changes on protein structure and function output the following: SIFT: "Tolerated"; PolyPhen-2: "Benign"; Align-GVGD: "Class C0". The threonine amino acid residue is found in multiple mammalian species, which suggests that this missense change does not adversely affect protein function. This variant has not been reported in the literature in individuals affected with COL12A1-related conditions. This variant is not present in population databases (gnomAD no frequency). This sequence change replaces serine, which is neutral and polar, with threonine, which is neutral and polar, at codon 1695 of the COL12A1 protein (p.Ser1695Thr).